The following is an entry in ClinVar:

ClinVar aggregate classification (germline): Conflicting classifications of pathogenicity. Review status: criteria provided, conflicting classifications (1 of 4 stars). 4 submissions from 4 submitters: Uncertain significance (3); Likely benign (1). Last evaluated 2026-03-16.

Conditions:
Luscan-Lumish syndrome. Identifiers: Orphanet 597738, MedGen C4085873, MONDO:0014791, OMIM 616831.

Submissions (4):

Women's Health and Genetics/Laboratory Corporation of America, LabCorp
Classification: Uncertain significance. Last evaluated: 2026-03-16. Review status: criteria provided, single submitter. Criteria: LabCorp Variant Classification Summary - May 2015. Collection method: clinical testing. Allele origin: germline.
Comment: Variant summary: SETD2 c.11_22dup12 (p.Leu4_Gln7dup) results in an in-frame duplication that is predicted to duplicate four amino acids into the encoded protein. The variant was absent in 94938 control chromosomes. The available data on variant occurrences in the general population are insufficient to allow any conclusion about variant significance. To our knowledge, no occurrence of c.11_22dup12 in individuals affected with SETD2-related conditions and no experimental evidence demonstrating its impact on protein function have been reported. ClinVar contains an entry for this variant (Variation ID: 2653752). Based on the evidence outlined above, the variant was classified as uncertain significance.

Blueprint Genetics
Classification: Uncertain significance. Last evaluated: 2024-06-07. Review status: criteria provided, single submitter. Criteria: ACMG Guidelines, 2015. Collection method: clinical testing. Allele origin: germline.

Labcorp Genetics (formerly Invitae), Labcorp
Classification: Likely benign for Luscan-Lumish syndrome. Last evaluated: 2024-04-05. Review status: criteria provided, single submitter. Criteria: Invitae Variant Classification Sherloc (09022015). Collection method: clinical testing. Allele origin: germline.

CeGaT Center for Human Genetics Tuebingen
Classification: Uncertain significance. Last evaluated: 2022-09-01. Review status: criteria provided, single submitter. Criteria: CeGaT Center For Human Genetics Tuebingen Variant Classification Criteria Version 2. Collection method: clinical testing. Allele origin: germline. Affected: yes. Observed: 1 variant allele.

NM_014159.7(SETD2):c.11_22dup (p.Gln7_Pro8insLeuGlnProGln)

Genes: SETD2 (SET domain containing 2, histone lysine methyltransferase; minus strand), LOC129936665 (ATAC-STARR-seq lymphoblastoid silent region 14306; plus strand). Cytogenetic location: 3p21.31.
Variant type: Duplication.
Coding change: c.11_22dup on transcript NM_014159.7 (MANE Select); coding-DNA positions 11 to 22, 12 bases duplicated (TGCAGCCGCAGC).
Protein change: p.Gln7_Pro8insLeuGlnProGln.
Molecular consequence: inframe insertion. On other transcripts: 5 prime UTR variant (1), non-coding transcript variant (1).
Genome position (GRCh38, 1-based): chr3:47,163,903-47,163,914, GCTGCGGCTGCA duplicated on the plus strand (TGCAGCCGCAGC on the coding strand, the reverse complement: SETD2 is on the minus strand); duplicating any 12 consecutive bases within chr3:47,163,903-47,163,919 gives the same sequence; the c. name uses the placement nearest the transcript's 3' end. VCF-style (leftmost placement, unchanged base first): chr3-47163902-G-GGCTGCGGCTGCA. GRCh37 (hg19) VCF-style: chr3-47205392-G-GGCTGCGGCTGCA.
Other names: c.-106_-95dup (NM_001349370.3); c.11_22dup12 (NM_014159.7).
Identifiers: ClinVar variation 2653752 (VCV002653752.29), dbSNP rs1316310273, ClinGen allele CA907620243.